The following is an entry in ClinVar:

NM_022821.4(ELOVL1):c.46+5G>A

Gene: ELOVL1 (ELOVL fatty acid elongase 1; minus strand). Cytogenetic location: 1p34.2.
Variant type: single nucleotide variant.
Coding change: c.46+5G>A on transcript NM_022821.4 (MANE Select); 5 bases into the intron after coding-DNA position 46, G replaced by A.
Molecular consequence: intron variant.
Genome position (GRCh38, 1-based): chr1:43,365,559, C>T on the plus strand (G>A on the coding strand, the complement: ELOVL1 is on the minus strand). VCF-style: chr1-43365559-C-T. GRCh37 (hg19) VCF-style: chr1-43831230-C-T.
Other names: c.-7+5G>A (NM_001256402.2); c.46+5G>A (NM_001256401.2, NM_001256399.2).
Identifiers: ClinVar variation 2121189 (VCV002121189.4), dbSNP rs2545707743, ClinGen allele CA2580062784.

ClinVar aggregate classification (germline): Uncertain significance (1 of 4 stars; one submission).

Submission:

Labcorp Genetics (formerly Invitae), Labcorp
Classification: Uncertain significance. Last evaluated: 2022-07-27. Review status: criteria provided, single submitter. Criteria: Invitae Variant Classification Sherloc (09022015). Collection method: clinical testing. Allele origin: germline.
Comment: This sequence change falls in intron 2 of the ELOVL1 gene. It does not directly change the encoded amino acid sequence of the ELOVL1 protein. It affects a nucleotide within the consensus splice site. In summary, the available evidence is currently insufficient to determine the role of this variant in disease. Therefore, it has been classified as a Variant of Uncertain Significance. Variants that disrupt the consensus splice site are a relatively common cause of aberrant splicing (PMID: 17576681, 9536098). Algorithms developed to predict the effect of sequence changes on RNA splicing suggest that this variant is not likely to affect RNA splicing. This variant has not been reported in the literature in individuals affected with ELOVL1-related conditions. This variant is not present in population databases (gnomAD no frequency).

Literature cited by the submitters: PubMed 17576681; PubMed 9536098.